The following is an entry in ClinVar:

NM_000548.5(TSC2):c.1775G>C (p.Ser592Thr)

Gene: TSC2 (TSC complex subunit 2; plus strand). Cytogenetic location: 16p13.3.
Variant type: single nucleotide variant.
Coding change: c.1775G>C on transcript NM_000548.5 (MANE Select); coding-DNA position 1775, G replaced by C.
Protein change: p.Ser592Thr; replaces serine 592 with threonine.
Molecular consequence: missense variant.
Genome position (GRCh38, 1-based): chr16:2,070,514, G>C. VCF-style: chr16-2070514-G-C. GRCh37 (hg19) VCF-style: chr16-2120515-G-C.
Other names: c.1775G>C, p.Ser592Thr (NM_001077183.3, NM_001114382.3, NM_001363528.2 and 6 more transcripts); c.1664G>C, p.Ser555Thr (NM_001318827.2, NM_001406670.1, NM_001406678.1); c.1628G>C, p.Ser543Thr (NM_001318829.2, NM_001406675.1, NM_001406676.1 and 1 more transcripts); c.1175G>C, p.Ser392Thr (NM_001318831.2, NM_001406684.1, NM_001406685.1 and 6 more transcripts); c.1808G>C, p.Ser603Thr (NM_001318832.2); c.1865G>C, p.Ser622Thr (NM_001406667.1, NM_001406668.1); c.1763G>C, p.Ser588Thr (NM_001406671.1, NM_001406673.1); c.431G>C, p.Ser144Thr (NM_001406689.1, NM_001406690.1, NM_001406691.1 and 6 more transcripts); and 3 more; short protein forms S144T, S555T, S58T, S592T, S392T, S438T, S543T, S573T.
Identifiers: ClinVar variation 2150095 (VCV002150095.4), dbSNP rs374371998, ClinGen allele CA394272895.

ClinVar aggregate classification (germline): Uncertain significance (1 of 4 stars; one submission).

Conditions:
Tuberous sclerosis 2 (TSC2). Identifiers: Orphanet 805, MedGen C1860707, MONDO:0013199, OMIM 613254.

gnomAD v4.1: 1 of 1,613,408 alleles (0.000062%); highest among the groups gnomAD compares: Non-Finnish European, 0.000085%; no homozygotes.

Submission:

Labcorp Genetics (formerly Invitae), Labcorp
Classification: Uncertain significance for Tuberous sclerosis 2. Last evaluated: 2022-02-03. Review status: criteria provided, single submitter. Criteria: Invitae Variant Classification Sherloc (09022015). Collection method: clinical testing. Allele origin: germline.
Comment: In summary, the available evidence is currently insufficient to determine the role of this variant in disease. Therefore, it has been classified as a Variant of Uncertain Significance. Advanced modeling of protein sequence and biophysical properties (such as structural, functional, and spatial information, amino acid conservation, physicochemical variation, residue mobility, and thermodynamic stability) performed at Invitae indicates that this missense variant is not expected to disrupt TSC2 protein function. This variant is not present in population databases (gnomAD no frequency). This variant has not been reported in the literature in individuals affected with TSC2-related conditions. This sequence change replaces serine, which is neutral and polar, with threonine, which is neutral and polar, at codon 592 of the TSC2 protein (p.Ser592Thr).